The following is an entry in ClinVar:

NM_006086.4(TUBB3):c.222C>G (p.Asp74Glu)

Gene: TUBB3 (tubulin beta 3 class III; plus strand). Cytogenetic location: 16q24.3.
Variant type: single nucleotide variant.
Coding change: c.222C>G on transcript NM_006086.4 (MANE Select); coding-DNA position 222, C replaced by G.
Protein change: p.Asp74Glu; replaces aspartic acid 74 with glutamic acid.
Molecular consequence: missense variant.
Genome position (GRCh38, 1-based): chr16:89,933,523, C>G. VCF-style: chr16-89933523-C-G. GRCh37 (hg19) VCF-style: chr16-89999931-C-G.
Other names: c.6C>G, p.Asp2Glu (NM_001197181.2); short protein forms D2E, D74E.
Identifiers: ClinVar variation 3391295 (VCV003391295.1).
Genomic context (GRCh38, chr16:89,933,523, plus strand): 5'-CTCAGCTCACAAGTACGTGCCTCGAGCCATTCTGGTGGACCTGGAACCCGGAACCATGGA[C>G]AGTGTCCGCTCAGGGGCCTTTGGACATCTCTTCAGGCCTGACAATTTCATCTTTGGTAAG-3'
Protein context (NP_006077.2, residues 64-84): ILVDLEPGTM[Asp74Glu]SVRSGAFGHL

ClinVar aggregate classification (germline): Uncertain significance (1 of 4 stars; one submission).

Conditions:
Complex cortical dysplasia with other brain malformations 1. Identifiers: Orphanet 300570, MedGen C3808397, MONDO:0013541, OMIM 614039.

Submission:

Neuberg Centre For Genomic Medicine, NCGM
Classification: Uncertain significance for Complex cortical dysplasia with other brain malformations 1. Last evaluated: 2023-07-22. Review status: criteria provided, single submitter. Criteria: ACMG Guidelines, 2015. Collection method: clinical testing. Allele origin: germline. Inheritance: Autosomal dominant inheritance. Affected: yes.
Comment: The observed missense variant c.222C>Gp.Asp74Glu in TUBB3 gene has not been reported previously as a pathogenic variant nor as a benign variant, to our knowledge. The p.Asp74Glu variant is absent in gnomAD Exomes. The amino acid Asp at position 74 is changed to a Glu changing protein sequence and it might alter its composition and physico-chemical properties. Computational evidence Polyphen-Benign, SIFT-damaging and Mutation Taster-disease causing predicts conflicting evidence on protein structure and function for this variant. The reference amino acid p.Asp74Glu in TUBB3 is predicted as conserved by GERP++ and PhyloP across 100 vertebrates. For these reasons, this variant has been classified as Uncertain Significance.